The following is an entry in ClinVar:

ClinVar aggregate classification (germline): Benign/Likely benign. Review status: criteria provided, multiple submitters, no conflicts (2 of 4 stars). 3 submissions from 3 submitters: Benign (2); Likely benign (1). Last evaluated 2026-07-01.

Allele frequency attached by ClinVar (database versions not stated): 1000 Genomes Project 0.00120; 1000 Genomes Project 30x 0.00125; gnomAD exomes 0.00138 and 0.00206; gnomAD 0.00139 and 0.00140; TOPMed 0.00139; ESP Exome Variant Server 0.00146; ExAC 0.00170.
gnomAD v4.1: 3,201 of 1,613,938 alleles (0.2%); highest among the groups gnomAD compares: Non-Finnish European, 0.25%; 8 homozygotes.

Submissions (3):

CeGaT Center for Human Genetics Tuebingen
Classification: Likely benign. Last evaluated: 2026-07-01. Review status: criteria provided, single submitter. Criteria: CeGaT Center For Human Genetics Tuebingen Variant Classification Criteria Version 2. Collection method: clinical testing. Allele origin: germline. Affected: yes. Observed: 2 variant alleles.
Comment: ACTG2: BP4, BP7

Labcorp Genetics (formerly Invitae), Labcorp
Classification: Benign. Last evaluated: 2019-12-31. Review status: criteria provided, single submitter. Criteria: Invitae Variant Classification Sherloc (09022015). Collection method: clinical testing. Allele origin: germline.

Breakthrough Genomics
Classification: Benign. Review status: criteria provided, single submitter. Criteria: ACMG Guidelines, 2015. Collection method: not provided. Allele origin: germline. Inheritance: Autosomal dominant inheritance. Affected: yes.

NM_001615.4(ACTG2):c.969C>T (p.Pro323=)

Gene: ACTG2 (actin gamma 2, smooth muscle; plus strand). Cytogenetic location: 2p13.1.
Variant type: single nucleotide variant.
Coding change: c.969C>T on transcript NM_001615.4 (MANE Select); coding-DNA position 969, C replaced by T.
Protein change: p.Pro323=; no amino-acid change (proline 323 retained).
Molecular consequence: synonymous variant.
Genome position (GRCh38, 1-based): chr2:73,916,747, C>T. VCF-style: chr2-73916747-C-T. GRCh37 (hg19) VCF-style: chr2-74143874-C-T.
Other names: c.840C>T, p.Pro280= (NM_001199893.2).
Identifiers: ClinVar variation 712048 (VCV000712048.7), dbSNP rs151132409, ClinGen allele CA1718054.
Genomic context (GRCh38, chr2:73,916,747, plus strand): 5'-CACCACCATGTACCCTGGCATTGCTGACAGGATGCAGAAGGAGATCACAGCCCTGGCCCC[C>T]AGCACCATGAAGATCAAGGTGGGTCTTGCCTCAGTTGTCTCCATCCTGTTCTTTGTATAA-3'
Protein context (NP_001606.1, residues 313-333): RMQKEITALA[Pro323=]STMKIKIIAP